The following is an entry in ClinVar:

ClinVar aggregate classification (germline): Uncertain significance. Review status: criteria provided, multiple submitters, no conflicts (2 of 4 stars). 4 submissions from 4 submitters: Uncertain significance (4). Last evaluated 2026-04-21.

Conditions:
Dilated cardiomyopathy 1DD (CMD1DD). Identifiers: Orphanet 154, MedGen C2750995, MONDO:0013168, OMIM 613172.

Submissions (4):

GeneDx
Classification: Uncertain significance. Last evaluated: 2026-04-21. Review status: criteria provided, single submitter. Criteria: GeneDx Variant Classification Process June 2021. Collection method: clinical testing. Allele origin: germline.
Comment: Not observed at significant frequency in large population cohorts (gnomAD); In silico analysis supports that this missense variant has a deleterious effect on protein structure/function; Has not been previously published as pathogenic or benign to our knowledge

Labcorp Genetics (formerly Invitae), Labcorp
Classification: Uncertain significance for Dilated cardiomyopathy 1DD. Last evaluated: 2023-07-22. Review status: criteria provided, single submitter. Criteria: Invitae Variant Classification Sherloc (09022015). Collection method: clinical testing. Allele origin: germline.
Comment: ClinVar contains an entry for this variant (Variation ID: 1098829). In summary, the available evidence is currently insufficient to determine the role of this variant in disease. Therefore, it has been classified as a Variant of Uncertain Significance. Advanced modeling of protein sequence and biophysical properties (such as structural, functional, and spatial information, amino acid conservation, physicochemical variation, residue mobility, and thermodynamic stability) performed at Invitae indicates that this missense variant is not expected to disrupt RBM20 protein function. This variant has not been reported in the literature in individuals affected with RBM20-related conditions. This variant is not present in population databases (gnomAD no frequency). This sequence change replaces asparagine, which is neutral and polar, with serine, which is neutral and polar, at codon 696 of the RBM20 protein (p.Asn696Ser).

Women's Health and Genetics/Laboratory Corporation of America, LabCorp
Classification: Uncertain significance. Last evaluated: 2021-05-03. Review status: criteria provided, single submitter. Criteria: LabCorp Variant Classification Summary - May 2015. Collection method: clinical testing. Allele origin: germline.
Comment: Variant summary: RBM20 c.2087A>G (p.Asn696Ser) results in a conservative amino acid change in the encoded protein sequence. Three of five in-silico tools predict a damaging effect of the variant on protein function. The variant was absent in 154684 control chromosomes (gnomAD). The available data on variant occurrences in the general population are insufficient to allow any conclusion about variant significance. To our knowledge, no occurrence of c.2087A>G in individuals affected with Dilated Cardiomyopathy and no experimental evidence demonstrating its impact on protein function have been reported. No clinical diagnostic laboratories have submitted clinical-significance assessments for this variant to ClinVar after 2014. Based on the evidence outlined above, the variant was classified as uncertain significance.

Breakthrough Genomics
Classification: Uncertain significance. Review status: criteria provided, single submitter. Criteria: ACMG Guidelines, 2015. Collection method: not provided. Allele origin: germline. Inheritance: Autosomal dominant inheritance. Affected: yes.

NM_001134363.3(RBM20):c.2087A>G (p.Asn696Ser)

Gene: RBM20 (RNA binding motif protein 20; plus strand). Cytogenetic location: 10q25.2.
Variant type: single nucleotide variant.
Coding change: c.2087A>G on transcript NM_001134363.3 (MANE Select); coding-DNA position 2087, A replaced by G.
Protein change: p.Asn696Ser; replaces asparagine 696 with serine.
Molecular consequence: missense variant.
Genome position (GRCh38, 1-based): chr10:110,812,484, A>G. VCF-style: chr10-110812484-A-G. GRCh37 (hg19) VCF-style: chr10-112572242-A-G.
Other names: c.2087A>G (NM_001134363.1); short protein forms N696S.
Identifiers: ClinVar variation 1098829 (VCV001098829.11), dbSNP rs1844782473, ClinGen allele CA378371521.